The following is an entry in ClinVar:

ClinVar aggregate classification (germline): Uncertain significance. Review status: criteria provided, multiple submitters, no conflicts (2 of 4 stars). 2 submissions from 2 submitters: Uncertain significance (2). Last evaluated 2025-01-29.

Conditions:
Cenani-Lenz syndactyly syndrome. Also called: CENANI SYNDACTYLISM; SYNDACTYLY, TYPE VII. Identifiers: Orphanet 3258, MedGen C1859309, MONDO:0008931, OMIM 212780.
Sclerosteosis 2 (SOST2). Identifiers: Orphanet 3152, MedGen C3280402, MONDO:0013679, OMIM 614305.
Congenital myasthenic syndrome 17. Identifiers: Orphanet 590, MedGen C4225377, MONDO:0014578, OMIM 616304.

gnomAD v4.1: 179 of 1,613,892 alleles (0.011%); highest among the groups gnomAD compares: Non-Finnish European, 0.015%; no homozygotes.

Submissions (2):

Revvity Omics, Revvity
Classification: Uncertain significance. Last evaluated: 2025-01-29. Review status: criteria provided, single submitter. Criteria: ACMG Guidelines, 2015. Collection method: clinical testing. Allele origin: germline.

Labcorp Genetics (formerly Invitae), Labcorp
Classification: Uncertain significance for Cenani-Lenz syndactyly syndrome; Sclerosteosis 2; Congenital myasthenic syndrome 17. Last evaluated: 2022-06-27. Review status: criteria provided, single submitter. Criteria: Invitae Variant Classification Sherloc (09022015). Collection method: clinical testing. Allele origin: germline.
Comment: This sequence change replaces glutamine, which is neutral and polar, with proline, which is neutral and non-polar, at codon 738 of the LRP4 protein (p.Gln738Pro). In summary, the available evidence is currently insufficient to determine the role of this variant in disease. Therefore, it has been classified as a Variant of Uncertain Significance. Algorithms developed to predict the effect of missense changes on protein structure and function are either unavailable or do not agree on the potential impact of this missense change (SIFT: "Deleterious"; PolyPhen-2: "Benign"; Align-GVGD: "Class C0"). This variant has not been reported in the literature in individuals affected with LRP4-related conditions. This variant is present in population databases (rs376437208, gnomAD 0.02%).

NM_002334.4(LRP4):c.2213A>C (p.Gln738Pro)

Gene: LRP4 (LDL receptor related protein 4; minus strand). Cytogenetic location: 11p11.2.
Variant type: single nucleotide variant.
Coding change: c.2213A>C on transcript NM_002334.4 (MANE Select); coding-DNA position 2213, A replaced by C.
Protein change: p.Gln738Pro; replaces glutamine 738 with proline.
Molecular consequence: missense variant.
Genome position (GRCh38, 1-based): chr11:46,889,413, T>G on the plus strand (A>C on the coding strand, the complement: LRP4 is on the minus strand). VCF-style: chr11-46889413-T-G. GRCh37 (hg19) VCF-style: chr11-46910964-T-G.
Other names: short protein forms Q738P.
Identifiers: ClinVar variation 2061177 (VCV002061177.3), dbSNP rs376437208, ClinGen allele CA5969961.
Genomic context (GRCh38, chr11:46,889,413, plus strand): 5'-TCCTTCTCCCCATCCTCACAACAGCCTCCATGGAGGCTGGTGTTGCAGACCCACTTACTC[T>G]GGGCACAGGCGTGGCTGCTGATCTTGCGGAAGCCAGTGGGGCAGGCACAGGTGTAGTTCT-3'
Protein context (NP_002325.2, residues 728-748): FRKISSHACA[Gln738Pro]SLDKFLLFAR